The following is an entry in ClinVar:

ClinVar aggregate classification (germline): Uncertain significance (1 of 4 stars; one submission).

gnomAD v4.1: 10 of 1,556,860 alleles (0.00064%); highest among the groups gnomAD compares: African/African-American, 0.0071%; no homozygotes.

Submission:

GeneDx
Classification: Uncertain significance. Last evaluated: 2023-06-26. Review status: criteria provided, single submitter. Criteria: GeneDx Variant Classification Process June 2021. Collection method: clinical testing. Allele origin: germline. Affected: yes.
Comment: In silico analysis supports that this missense variant has a deleterious effect on protein structure/function; Has not been previously published as pathogenic or benign to our knowledge

NM_005515.4(MNX1):c.1169C>T (p.Pro390Leu)

Gene: MNX1 (motor neuron and pancreas homeobox 1; minus strand). Cytogenetic location: 7q36.3.
Variant type: single nucleotide variant.
Coding change: c.1169C>T on transcript NM_005515.4 (MANE Select); coding-DNA position 1169, C replaced by T.
Protein change: p.Pro390Leu; replaces proline 390 with leucine.
Molecular consequence: missense variant.
Genome position (GRCh38, 1-based): chr7:157,005,557, G>A on the plus strand (C>T on the coding strand, the complement: MNX1 is on the minus strand). VCF-style: chr7-157005557-G-A. GRCh37 (hg19) VCF-style: chr7-156798251-G-A.
Other names: c.533C>T, p.Pro178Leu (NM_001165255.2); short protein forms P178L, P390L.
Identifiers: ClinVar variation 3360511 (VCV003360511.1).
Genomic context (GRCh38, chr7:157,005,557, plus strand): 5'-GCACCTGCTGGGCCGCGGGGCTCCTACTGGGGCGCGGGCTGGTGGCTGGGCCGCGGGGGC[G>A]GCGAGTCGTCCTCCGAGGAGCAGTCGGAGGAGGCGGCGTGGACGCTGGCGCCGTTGCTGT-3'
Protein context (NP_005506.3, residues 380-400): SSDCSSEDDS[Pro390Leu]PPRPSHQPAP